The following is an entry in ClinVar:

NM_000088.4(COL1A1):c.1300-8C>A

Gene: COL1A1 (collagen type I alpha 1 chain; minus strand). Cytogenetic location: 17q21.33.
Variant type: single nucleotide variant.
Coding change: c.1300-8C>A on transcript NM_000088.4 (MANE Select); 8 bases into the intron before coding-DNA position 1300, C replaced by A.
Molecular consequence: intron variant.
Genome position (GRCh38, 1-based): chr17:50,195,108, G>T on the plus strand (C>A on the coding strand, the complement: COL1A1 is on the minus strand). VCF-style: chr17-50195108-G-T. GRCh37 (hg19) VCF-style: chr17-48272469-G-T.
Identifiers: ClinVar variation 1562084 (VCV001562084.11), dbSNP rs41317361, ClinGen allele CA8645293.

ClinVar aggregate classification (germline): Likely benign. Review status: criteria provided, multiple submitters, no conflicts (2 of 4 stars). 2 submissions from 2 submitters: Likely benign (2). Last evaluated 2025-04-30.

Conditions:
Osteogenesis imperfecta type I (OI1). Also called: Osteogenesis imperfecta type 1; Lobstein's Disease; OI, TYPE I; OSTEOGENESIS IMPERFECTA TARDA; OSTEOGENESIS IMPERFECTA WITH BLUE SCLERAE; Classic Non-deforming Osteogenesis Imperfecta with Blue Sclerae. Identifiers: Orphanet 216796, Orphanet 666, MedGen C0023931, MONDO:0008146, OMIM 166200. Disease mechanism: loss of function.

Allele frequency attached by ClinVar (database versions not stated): TOPMed 0.00004.

Submissions (2):

Women's Health and Genetics/Laboratory Corporation of America, LabCorp
Classification: Likely benign. Last evaluated: 2025-04-30. Review status: criteria provided, single submitter. Criteria: LabCorp Variant Classification Summary - May 2015. Collection method: clinical testing. Allele origin: germline.
Comment: Variant summary: COL1A1 c.1300-8C>A alters a non-conserved nucleotide located at a position not widely known to affect splicing. Consensus agreement among computation tools predict no significant impact on normal splicing. However, these predictions have yet to be confirmed by functional studies. The variant allele was found at a frequency of 4e-05 in 250786 control chromosomes (gnomAD). The observed variant frequency is approximately 1.4 fold of the estimated maximal expected allele frequency for a pathogenic variant in COL1A1 causing Osteogenesis Imperfecta phenotype (2.8e-05). To our knowledge, no occurrence of c.1300-8C>A in individuals affected with Osteogenesis Imperfecta and no experimental evidence demonstrating its impact on protein function have been reported. ClinVar contains an entry for this variant (Variation ID: 1562084). Based on the evidence outlined above, the variant was classified as likely benign.

Labcorp Genetics (formerly Invitae), Labcorp
Classification: Likely benign for Osteogenesis imperfecta type I. Last evaluated: 2024-10-24. Review status: criteria provided, single submitter. Criteria: Invitae Variant Classification Sherloc (09022015). Collection method: clinical testing. Allele origin: germline.